The following is an entry in ClinVar:

ClinVar aggregate classification (germline): Uncertain significance. Review status: criteria provided, multiple submitters, no conflicts (2 of 4 stars). 4 submissions from 3 submitters: Uncertain significance (4). Last evaluated 2026-01-21.

Conditions:
SCLT1-related disorder. Also called: SCLT1-related condition.
Esophageal atresia/tracheoesophageal fistula. Also called: TRACHEOESOPHAGEAL FISTULA WITH OR WITHOUT ESOPHAGEAL ATRESIA; Tracheoesophageal fistula. Identifiers: Orphanet 1199, MedGen C0040588, MeSH D014138, MONDO:0008586, OMIM 189960, HP:0002575.

Allele frequency attached by ClinVar (database versions not stated): ExAC 0.00001; gnomAD exomes 0.00001 and 0.00002.
gnomAD v4.1: 7 of 1,608,550 alleles (0.00044%); highest among the groups gnomAD compares: Admixed American, 0.01%; no homozygotes.

Submissions (4):

PreventionGenetics, part of Exact Sciences
Classification: Uncertain significance for SCLT1-related condition. Last evaluated: 2026-01-21. Review status: criteria provided, single submitter. Criteria: ACMG Guidelines, 2015. Collection method: clinical testing. Allele origin: germline.
Comment: The SCLT1 c.1421T>C variant is predicted to result in the amino acid substitution p.Ile474Thr. This variant has been reported in the compound heterozygous state in an individual with VACTERL (Supplementary Table 1, Belanger Deloge et al. 2022. PubMed ID: 36474027). This variant is reported in 0.018% of alleles in individuals of Latino descent in gnomAD. At this time, the clinical significance of this variant is uncertain due to the absence of conclusive functional and genetic evidence.

Daryl Scott Lab, Baylor College of Medicine
Classification: Uncertain significance for Esophageal atresia/tracheoesophageal fistula. Last evaluated: 2022-08-22. Review status: criteria provided, single submitter. Criteria: ACMG Guidelines, 2015. Collection method: clinical testing. Allele origin: paternal. Observed: 1 variant allele, 1 heterozygote.

Labcorp Genetics (formerly Invitae), Labcorp
Classification: Uncertain significance. Last evaluated: 2022-07-27. Review status: criteria provided, single submitter. Criteria: Invitae Variant Classification Sherloc (09022015). Collection method: clinical testing. Allele origin: germline.
Comment: This sequence change replaces isoleucine, which is neutral and non-polar, with threonine, which is neutral and polar, at codon 474 of the SCLT1 protein (p.Ile474Thr). This variant is present in population databases (rs747582277, gnomAD 0.02%). This variant has not been reported in the literature in individuals affected with SCLT1-related conditions. ClinVar contains an entry for this variant (Variation ID: 1684298). Algorithms developed to predict the effect of missense changes on protein structure and function are either unavailable or do not agree on the potential impact of this missense change (SIFT: "Deleterious"; PolyPhen-2: "Benign"; Align-GVGD: "Class C45"). In summary, the available evidence is currently insufficient to determine the role of this variant in disease. Therefore, it has been classified as a Variant of Uncertain Significance.

Daryl Scott Lab, Baylor College of Medicine
Classification: Uncertain significance for SCLT1-related disorder. Last evaluated: 2022-02-01. Review status: criteria provided, single submitter. Criteria: ACMG Guidelines, 2015. Collection method: clinical testing. Allele origin: biparental. Observed: 1 variant allele, 1 compound heterozygote.

Literature cited by the submitters: PubMed 36135330 (cited by Daryl Scott Lab, Baylor College of Medicine); PubMed 36474027 (cited by Daryl Scott Lab, Baylor College of Medicine).

NM_144643.4(SCLT1):c.1421T>C (p.Ile474Thr)

Gene: SCLT1 (sodium channel and clathrin linker 1; minus strand). Cytogenetic location: 4q28.2.
Variant type: single nucleotide variant.
Coding change: c.1421T>C on transcript NM_144643.4 (MANE Select); coding-DNA position 1421, T replaced by C.
Protein change: p.Ile474Thr; replaces isoleucine 474 with threonine.
Molecular consequence: missense variant.
Genome position (GRCh38, 1-based): chr4:128,946,025, A>G on the plus strand (T>C on the coding strand, the complement: SCLT1 is on the minus strand). VCF-style: chr4-128946025-A-G. GRCh37 (hg19) VCF-style: chr4-129867180-A-G.
Other names: c.1421T>C (NM_144643.3); short protein forms I474T.
Identifiers: ClinVar variation 1684298 (VCV001684298.5), dbSNP rs747582277, ClinGen allele CA3079633.